The following is an entry in ClinVar:

NM_001378969.1(KCND3):c.889A>G (p.Ile297Val)

Gene: KCND3 (potassium voltage-gated channel subfamily D member 3; minus strand). Cytogenetic location: 1p13.2.
Variant type: single nucleotide variant.
Coding change: c.889A>G on transcript NM_001378969.1 (MANE Select); coding-DNA position 889, A replaced by G.
Protein change: p.Ile297Val; replaces isoleucine 297 with valine.
Molecular consequence: missense variant.
Genome position (GRCh38, 1-based): chr1:111,981,838, T>C on the plus strand (A>G on the coding strand, the complement: KCND3 is on the minus strand). VCF-style: chr1-111981838-T-C. GRCh37 (hg19) VCF-style: chr1-112524460-T-C.
Other names: c.889A>G, p.Ile297Val (NM_001378970.1, NM_004980.5, NM_172198.3); short protein forms I297V.
Identifiers: ClinVar variation 4858620 (VCV004858620.1).

ClinVar aggregate classification (germline): Uncertain significance (1 of 4 stars; one submission).

Conditions:
Cardiovascular phenotype. Identifiers: MedGen CN230736.

Submission:

Ambry Genetics
Classification: Uncertain significance for Cardiovascular phenotype. Last evaluated: 2026-06-14. Review status: criteria provided, single submitter. Criteria: Ambry Variant Classification Scheme 2023. Collection method: clinical testing. Allele origin: germline.
Comment: The p.I297V variant (also known as c.889A>G), located in coding exon 1 of the KCND3 gene, results from an A to G substitution at nucleotide position 889. The isoleucine at codon 297 is replaced by valine, an amino acid with highly similar properties. This amino acid position is conserved. In addition, this alteration is predicted to be deleterious by in silico analysis. Based on the available evidence, the clinical significance of this variant remains unclear.